The following is an entry in ClinVar:

ClinVar aggregate classification (germline): Uncertain significance. Review status: criteria provided, multiple submitters, no conflicts (2 of 4 stars). 2 submissions from 2 submitters: Uncertain significance (2). Last evaluated 2023-04-20.

Conditions:
Early-infantile DEE. Also called: Early infantile epileptic encephalopathy with suppression bursts; Ohtahara syndrome; Early infantile epileptic encephalopathy. Identifiers: Orphanet 1934, MedGen C0393706, MONDO:0800491.

Submissions (2):

Blueprint Genetics
Classification: Uncertain significance. Last evaluated: 2023-04-20. Review status: criteria provided, single submitter. Criteria: ACMG Guidelines, 2015. Collection method: clinical testing. Allele origin: germline.

Labcorp Genetics (formerly Invitae), Labcorp
Classification: Uncertain significance for Early-infantile DEE. Last evaluated: 2020-07-06. Review status: criteria provided, single submitter. Criteria: Invitae Variant Classification Sherloc (09022015). Collection method: clinical testing. Allele origin: germline.
Comment: Nucleotide substitutions within the consensus splice site are a relatively common cause of aberrant splicing (PMID: 17576681, 9536098). Algorithms developed to predict the effect of sequence changes on RNA splicing suggest that this variant may disrupt the consensus splice site, but this prediction has not been confirmed by published transcriptional studies. This sequence change affects codon 1235 of the SCN1A mRNA. It is a 'silent' change, meaning that it does not change the encoded amino acid sequence of the SCN1A protein. This variant also falls at the last nucleotide of exon 18 of the SCN1A coding sequence, which is part of the consensus splice site for this exon. This variant is not present in population databases (ExAC no frequency). This variant has not been reported in the literature in individuals with SCN1A-related conditions. In summary, the available evidence is currently insufficient to determine the role of this variant in disease. Therefore, it has been classified as a Variant of Uncertain Significance.

Literature cited by the submitters: PubMed 17576681 (cited by Labcorp Genetics (formerly Invitae), Labcorp); PubMed 9536098 (cited by Labcorp Genetics (formerly Invitae), Labcorp).

NM_001165963.4(SCN1A):c.3705G>A (p.Leu1235=)

Genes: SCN1A (sodium voltage-gated channel alpha subunit 1; minus strand), LOC102724058 (uncharacterized LOC102724058; plus strand). Cytogenetic location: 2q24.3.
Variant type: single nucleotide variant.
Coding change: c.3705G>A on transcript NM_001165963.4 (MANE Select); coding-DNA position 3705, G replaced by A.
Protein change: p.Leu1235=; no amino-acid change (leucine 1235 retained).
Molecular consequence: synonymous variant. On other transcripts: non-coding transcript variant (1).
Genome position (GRCh38, 1-based): chr2:166,013,744, C>T on the plus strand (G>A on the coding strand, the complement: SCN1A is on the minus strand). VCF-style: chr2-166013744-C-T. GRCh37 (hg19) VCF-style: chr2-166870254-C-T.
Other names: c.3621G>A, p.Leu1207= (NM_001165964.3, NM_001353957.2, NM_001353958.2); c.3705G>A, p.Leu1235= (NM_001202435.3, NM_001353948.2); c.3672G>A, p.Leu1224= (NM_001353949.2, NM_001353950.2, NM_001353951.2 and 2 more transcripts); c.3669G>A, p.Leu1223= (NM_001353954.2, NM_001353955.2); c.3618G>A, p.Leu1206= (NM_001353960.2); c.1263G>A, p.Leu421= (NM_001353961.2).
Identifiers: ClinVar variation 1046194 (VCV001046194.8), dbSNP rs1251252995, ClinGen allele CA429897632.
Genomic context (GRCh38, chr2:166,013,744, plus strand): 5'-CATCAGTATTAGAGTGTTCTAAAAATTAGTGCTGTATCACCTTTTCTTAATCTCACTCAC[C>T]AGAGCACCACTACTAAGGAGAATCATGAAAACAATGAAGGTCTCAAACCAGTTATGTTCA-3'
Protein context (NP_001159435.1, residues 1225-1245): VFMILLSSGA[Leu1235=]AFEDIYIDQR